The following is an entry in ClinVar:

ClinVar aggregate classification (germline): Uncertain significance. Review status: criteria provided, multiple submitters, no conflicts (2 of 4 stars). 2 submissions from 2 submitters: Uncertain significance (2). Last evaluated 2023-11-27.

Conditions:
Inborn genetic diseases. Identifiers: MedGen C0950123, MeSH D030342.

Allele frequency attached by ClinVar (database versions not stated): gnomAD 0.00003; TOPMed 0.00003; ESP Exome Variant Server 0.00008.
gnomAD v4.1: 7 of 1,613,046 alleles (0.00043%); highest among the groups gnomAD compares: African/African-American, 0.008%; no homozygotes.

Submissions (2):

Labcorp Genetics (formerly Invitae), Labcorp
Classification: Uncertain significance. Last evaluated: 2023-11-27. Review status: criteria provided, single submitter. Criteria: Invitae Variant Classification Sherloc (09022015). Collection method: clinical testing. Allele origin: germline.
Comment: This sequence change replaces glutamic acid, which is acidic and polar, with glycine, which is neutral and non-polar, at codon 1838 of the MCM3AP protein (p.Glu1838Gly). This variant is present in population databases (rs202103550, gnomAD 0.01%). This variant has not been reported in the literature in individuals affected with MCM3AP-related conditions. ClinVar contains an entry for this variant (Variation ID: 1416935). An algorithm developed to predict the effect of missense changes on protein structure and function (PolyPhen-2) suggests that this variant is likely to be tolerated. In summary, the available evidence is currently insufficient to determine the role of this variant in disease. Therefore, it has been classified as a Variant of Uncertain Significance.

Ambry Genetics
Classification: Uncertain significance for Inborn genetic diseases. Last evaluated: 2022-12-21. Review status: criteria provided, single submitter. Criteria: Ambry Variant Classification Scheme 2023. Collection method: clinical testing. Allele origin: germline.

NM_003906.5(MCM3AP):c.5513A>G (p.Glu1838Gly)

Genes: MCM3AP (minichromosome maintenance complex component 3 associated protein; minus strand), MCM3AP-AS1 (MCM3AP antisense RNA 1; plus strand). Cytogenetic location: 21q22.3.
Variant type: single nucleotide variant.
Coding change: c.5513A>G on transcript NM_003906.5 (MANE Select); coding-DNA position 5513, A replaced by G.
Protein change: p.Glu1838Gly; replaces glutamic acid 1838 with glycine.
Molecular consequence: missense variant. On other transcripts: non-coding transcript variant (4).
Genome position (GRCh38, 1-based): chr21:46,240,931, T>C on the plus strand (A>G on the coding strand, the complement: MCM3AP is on the minus strand). VCF-style: chr21-46240931-T-C. GRCh37 (hg19) VCF-style: chr21-47660845-T-C.
Other names: c.5513A>G (NM_003906.3); short protein forms E1838G.
Identifiers: ClinVar variation 1416935 (VCV001416935.7), dbSNP rs202103550, ClinGen allele CA10075828.